The following is an entry in ClinVar:

NM_033380.3(COL4A5):c.2794G>C (p.Gly932Arg)

Gene: COL4A5 (collagen type IV alpha 5 chain; plus strand). Cytogenetic location: Xq22.3.
Variant type: single nucleotide variant.
Coding change: c.2794G>C on transcript NM_033380.3 (MANE Select); coding-DNA position 2794, G replaced by C.
Protein change: p.Gly932Arg; replaces glycine 932 with arginine.
Molecular consequence: missense variant.
Genome position (GRCh38, 1-based): chrX:108,622,702, G>C. VCF-style: chrX-108622702-G-C. GRCh37 (hg19) VCF-style: chrX-107865932-G-C.
Other names: c.2794G>C, p.Gly932Arg (NM_000495.5); short protein forms G932R.
Identifiers: ClinVar variation 2829664 (VCV002829664.3), dbSNP rs2147865597, ClinGen allele CA413852610.

ClinVar aggregate classification (germline): Likely pathogenic (1 of 4 stars; one submission).

Submission:

Labcorp Genetics (formerly Invitae), Labcorp
Classification: Likely pathogenic. Last evaluated: 2023-01-17. Review status: criteria provided, single submitter. Criteria: Invitae Variant Classification Sherloc (09022015). Collection method: clinical testing. Allele origin: germline.
Comment: This sequence change replaces glycine, which is neutral and non-polar, with arginine, which is basic and polar, at codon 932 of the COL4A5 protein (p.Gly932Arg). In summary, the currently available evidence indicates that the variant is pathogenic, but additional data are needed to prove that conclusively. Therefore, this variant has been classified as Likely Pathogenic. This variant disrupts the triple helix domain of COL4A5. Glycine residues within the Gly-Xaa-Yaa repeats of the triple helix domain are required for the structure and stability of fibrillar collagens (PMID: 7695699, 8218237, 19344236). In COL4A5, missense variants at these glycine residues are significantly enriched in individuals with disease (PMID: 23720012, 27627812) compared to the general population (ExAC). Advanced modeling of protein sequence and biophysical properties (such as structural, functional, and spatial information, amino acid conservation, physicochemical variation, residue mobility, and thermodynamic stability) performed at Invitae indicates that this missense variant is expected to disrupt COL4A5 protein function. This variant has not been reported in the literature in individuals affected with COL4A5-related conditions. This variant is not present in population databases (gnomAD no frequency).

Literature cited by the submitters: PubMed 7695699; PubMed 8218237; PubMed 19344236; PubMed 23720012; PubMed 27627812.